The following is an entry in ClinVar:

NM_005559.4(LAMA1):c.7564A>G (p.Ile2522Val)

Gene: LAMA1 (laminin subunit alpha 1; minus strand). Cytogenetic location: 18p11.31.
Variant type: single nucleotide variant.
Coding change: c.7564A>G on transcript NM_005559.4 (MANE Select); coding-DNA position 7564, A replaced by G.
Protein change: p.Ile2522Val; replaces isoleucine 2522 with valine.
Molecular consequence: missense variant.
Genome position (GRCh38, 1-based): chr18:6,961,648, T>C on the plus strand (A>G on the coding strand, the complement: LAMA1 is on the minus strand). VCF-style: chr18-6961648-T-C. GRCh37 (hg19) VCF-style: chr18-6961647-T-C.
Other names: short protein forms I2522V.
Identifiers: ClinVar variation 1714539 (VCV001714539.5), dbSNP rs2510827591, ClinGen allele CA401845896.

ClinVar aggregate classification (germline): Uncertain significance (1 of 4 stars; one submission).

Allele frequency attached by ClinVar (database versions not stated): gnomAD exomes below 0.00001.
gnomAD v4.1: 1 of 1,614,174 alleles (0.000062%); highest among the groups gnomAD compares: Non-Finnish European, 0.000085%; no homozygotes.

Submission:

Labcorp Genetics (formerly Invitae), Labcorp
Classification: Uncertain significance. Last evaluated: 2022-10-17. Review status: criteria provided, single submitter. Criteria: Invitae Variant Classification Sherloc (09022015). Collection method: clinical testing. Allele origin: germline.
Comment: In summary, the available evidence is currently insufficient to determine the role of this variant in disease. Therefore, it has been classified as a Variant of Uncertain Significance. Advanced modeling of protein sequence and biophysical properties (such as structural, functional, and spatial information, amino acid conservation, physicochemical variation, residue mobility, and thermodynamic stability) performed at Invitae indicates that this missense variant is not expected to disrupt LAMA1 protein function. This variant has not been reported in the literature in individuals affected with LAMA1-related conditions. This variant is not present in population databases (gnomAD no frequency). This sequence change replaces isoleucine, which is neutral and non-polar, with valine, which is neutral and non-polar, at codon 2522 of the LAMA1 protein (p.Ile2522Val).